The following is an entry in ClinVar:

ClinVar aggregate classification (germline): Conflicting classifications of pathogenicity. Review status: criteria provided, conflicting classifications (1 of 4 stars). 3 submissions from 3 submitters: Likely pathogenic (2); Uncertain significance (1). Last evaluated 2024-07-02.

Conditions:
PMM2-congenital disorder of glycosylation. Also called: PMM2-CDG; PHOSPHOMANNOMUTASE 2 DEFICIENCY; CARBOHYDRATE-DEFICIENT GLYCOPROTEIN SYNDROME, TYPE Ia; Congenital disorder of glycosylation, type Ia; CDG Ia; JAEKEN SYNDROME. Identifiers: Orphanet 79318, MedGen C0349653, MONDO:0008907, OMIM 212065.

Allele frequency attached by ClinVar (database versions not stated): TOPMed below 0.00001; gnomAD 0.00001.
gnomAD v4.1: 3 of 1,606,230 alleles (0.00019%); highest among the groups gnomAD compares: Non-Finnish European, 0.00026%; no homozygotes.

Submissions (3):

Women's Health and Genetics/Laboratory Corporation of America, LabCorp
Classification: Likely pathogenic for PMM2-congenital disorder of glycosylation. Last evaluated: 2024-07-02. Review status: criteria provided, single submitter. Criteria: LabCorp Variant Classification Summary - May 2015. Collection method: clinical testing. Allele origin: germline.
Comment: Variant summary: PMM2 c.531G>C (p.Gln177His) results in a non-conservative amino acid change in the encoded protein sequence. Five of five in-silico tools predict a damaging effect of the variant on protein function. The variant was absent in 251488 control chromosomes. c.531G>C has been reported in the literature in compound heterozygous individuals affected with Congenital Disorder Of Glycosylation Type 1a (Le Bizec_2005, Dang Do_2023, Monin_2014). These data indicate that the variant may be associated with disease. At least one publication reports experimental evidence evaluating an impact on protein function. The most pronounced variant effect results in <10% of normal phosphomannomutase activity in transfected cells (Le Bizec_2005). The following publications have been ascertained in the context of this evaluation (PMID: 36719165, 15844218, 25497157). ClinVar contains an entry for this variant (Variation ID: 1408282). Based on the evidence outlined above, the variant was classified as likely pathogenic.

Natera, Inc.
Classification: Likely pathogenic for Congenital disorder of glycosylation type 1a. Last evaluated: 2024-05-20. Review status: criteria provided, single submitter. Criteria: Natera Variant Classification Schema (03/2026). Collection method: clinical testing. Allele origin: germline.
Comment: The c.531G>C variant in PMM2 is a missense variant predicted to cause substitution of glutamine to histidine at amino acid 177. This variant is rare in the general population with a frequency below the threshold expected for the associated phenotype(s). This variant has been observed in one or more individuals affected with the associated recessive disease, as either homozygous or compound heterozygous with a second variant (PMID: 15844218, 25497157, 36719165). This variant has been identified in one or more affected individual with a phenotype highly consistent with the associated gene (PMID: 36719165). Computational prediction algorithms indicate this variant is likely to affect gene or protein function. Given the available evidence, this variant is classified as Likely Pathogenic.

Labcorp Genetics (formerly Invitae), Labcorp
Classification: Uncertain significance for PMM2-congenital disorder of glycosylation. Last evaluated: 2022-06-03. Review status: criteria provided, single submitter. Criteria: Invitae Variant Classification Sherloc (09022015). Collection method: clinical testing. Allele origin: germline.
Comment: In summary, the available evidence is currently insufficient to determine the role of this variant in disease. Therefore, it has been classified as a Variant of Uncertain Significance. Experimental studies have shown that this missense change affects PMM2 function (PMID: 15844218). Algorithms developed to predict the effect of missense changes on protein structure and function are either unavailable or do not agree on the potential impact of this missense change (SIFT: "Deleterious"; PolyPhen-2: "Probably Damaging"; Align-GVGD: "Class C15"). ClinVar contains an entry for this variant (Variation ID: 1408282). This missense change has been observed in individuals with congenital disorder of glycosylation type 1a (PMID: 15844218, 25497157). This variant is not present in population databases (gnomAD no frequency). This sequence change replaces glutamine, which is neutral and polar, with histidine, which is basic and polar, at codon 177 of the PMM2 protein (p.Gln177His).

Literature cited by the submitters: PubMed 15844218 (cited by 3 submitters); PubMed 25497157 (cited by 3 submitters); PubMed 36719165 (cited by Women's Health and Genetics/Laboratory Corporation of America, LabCorp and Natera, Inc.).

NM_000303.3(PMM2):c.531G>C (p.Gln177His)

Gene: PMM2 (phosphomannomutase 2; plus strand). Cytogenetic location: 16p13.2.
Variant type: single nucleotide variant.
Coding change: c.531G>C on transcript NM_000303.3 (MANE Select); coding-DNA position 531, G replaced by C.
Protein change: p.Gln177His; replaces glutamine 177 with histidine.
Molecular consequence: missense variant.
Genome position (GRCh38, 1-based): chr16:8,812,998, G>C. VCF-style: chr16-8812998-G-C. GRCh37 (hg19) VCF-style: chr16-8906855-G-C.
Other names: c.531G>C (NM_000303.2); short protein forms Q177H.
Identifiers: ClinVar variation 1408282 (VCV001408282.10), dbSNP rs771162235, ClinGen allele CA394697654.
Genomic context (GRCh38, chr16:8,812,998, plus strand): 5'-CATTAGCCCCTTTTTCACCTTTTGCCTTTGTGTGCCCCGTCCCCACCCGGCAGGAGGCCA[G>C]ATCAGCTTTGATGTCTTTCCTGATGGATGGGACAAGAGATACTGTCTGCGACATGTGGAA-3'
Protein context (NP_000294.1, residues 167-187): GKGLTFSIGG[Gln177His]ISFDVFPDGW